The following is an entry in ClinVar:

ClinVar aggregate classification (germline): Uncertain significance. Review status: criteria provided, multiple submitters, no conflicts (2 of 4 stars). 2 submissions from 2 submitters: Uncertain significance (2). Last evaluated 2025-10-01.

Conditions:
Hereditary cancer-predisposing syndrome. Also called: Hereditary neoplastic syndrome; Tumor predisposition; Hereditary Cancer Syndrome; Neoplastic Syndromes, Hereditary. Identifiers: Orphanet 140162, MedGen C0027672, MeSH D009386, MONDO:0015356.

gnomAD v4.1: 2 of 1,614,110 alleles (0.00012%); highest among the groups gnomAD compares: South Asian, 0.0022%; no homozygotes.

Submissions (2):

Labcorp Genetics (formerly Invitae), Labcorp
Classification: Uncertain significance. Last evaluated: 2025-10-01. Review status: criteria provided, single submitter. Criteria: Invitae Variant Classification Sherloc (09022015). Collection method: clinical testing. Allele origin: germline.
Comment: This sequence change replaces isoleucine, which is neutral and non-polar, with leucine, which is neutral and non-polar, at codon 906 of the MSH3 protein (p.Ile906Leu). This variant is present in population databases (rs767359174, gnomAD 0.003%). This variant has not been reported in the literature in individuals affected with MSH3-related conditions. ClinVar contains an entry for this variant (Variation ID: 2586084). An algorithm developed to predict the effect of missense changes on protein structure and function (PolyPhen-2) suggests that this variant is likely to be tolerated. In summary, the available evidence is currently insufficient to determine the role of this variant in disease. Therefore, it has been classified as a Variant of Uncertain Significance.

Ambry Genetics
Classification: Uncertain significance for Hereditary cancer-predisposing syndrome. Last evaluated: 2023-09-05. Review status: criteria provided, single submitter. Criteria: Ambry Variant Classification Scheme 2023. Collection method: clinical testing. Allele origin: germline.
Comment: The p.I906L variant (also known as c.2716A>C), located in coding exon 20 of the MSH3 gene, results from an A to C substitution at nucleotide position 2716. The isoleucine at codon 906 is replaced by leucine, an amino acid with highly similar properties. This amino acid position is conserved. In addition, the in silico prediction for this alteration is inconclusive. Since supporting evidence is limited at this time, the clinical significance of this alteration remains unclear.

NM_002439.5(MSH3):c.2716A>C (p.Ile906Leu)

Gene: MSH3 (mutS homolog 3; plus strand). Cytogenetic location: 5q14.1.
Variant type: single nucleotide variant.
Coding change: c.2716A>C on transcript NM_002439.5 (MANE Select); coding-DNA position 2716, A replaced by C.
Protein change: p.Ile906Leu; replaces isoleucine 906 with leucine.
Molecular consequence: missense variant.
Genome position (GRCh38, 1-based): chr5:80,813,644, A>C. VCF-style: chr5-80813644-A-C. GRCh37 (hg19) VCF-style: chr5-80109463-A-C.
Other names: short protein forms I906L.
Identifiers: ClinVar variation 2586084 (VCV002586084.3), dbSNP rs767359174, ClinGen allele CA3328334.